The following is an entry in ClinVar:

NC_000005.9:g.(?_42565977)_(42719526_?)del

Gene: GHR (growth hormone receptor; plus strand). Cytogenetic location: 5p12.
Variant type: Deletion.
Identifiers: ClinVar variation 3246438 (VCV003246438.1).

ClinVar aggregate classification (germline): Pathogenic (1 of 4 stars; one submission).

Submission:

Labcorp Genetics (formerly Invitae), Labcorp
Classification: Pathogenic. Last evaluated: 2023-10-23. Review status: criteria provided, single submitter. Criteria: Invitae Variant Classification Sherloc (09022015). Collection method: clinical testing. Allele origin: unknown.
Comment: A gross deletion of the genomic region encompassing the full coding sequence of the GHR gene has been identified. Loss-of-function variants in GHR are known to be pathogenic (PMID: 1999489, 8488849). The boundaries of this event are unknown as they extend beyond the assayed region for this gene and therefore may encompass additional genes. This variant has not been reported in the literature in individuals affected with GHR-related conditions. For these reasons, this variant has been classified as Pathogenic.

Literature cited by the submitters: PubMed 1999489; PubMed 8488849.